The following is an entry in ClinVar:

ClinVar aggregate classification (germline): Likely pathogenic (1 of 4 stars; one submission).

Allele frequency attached by ClinVar (database versions not stated): TOPMed below 0.00001.

Submission:

Labcorp Genetics (formerly Invitae), Labcorp
Classification: Likely pathogenic. Last evaluated: 2021-10-14. Review status: criteria provided, single submitter. Criteria: Invitae Variant Classification Sherloc (09022015). Collection method: clinical testing. Allele origin: germline.
Comment: This sequence change affects a donor splice site in intron 13 of the EYS gene. It is expected to disrupt RNA splicing. Variants that disrupt the donor or acceptor splice site typically lead to a loss of protein function (PMID: 16199547), and loss-of-function variants in EYS are known to be pathogenic (PMID: 18836446, 20333770). This variant is not present in population databases (ExAC no frequency). This variant has not been reported in the literature in individuals affected with EYS-related conditions. Algorithms developed to predict the effect of sequence changes on RNA splicing suggest that this variant may disrupt the consensus splice site. In summary, the currently available evidence indicates that the variant is pathogenic, but additional data are needed to prove that conclusively. Therefore, this variant has been classified as Likely Pathogenic.

Literature cited by the submitters: PubMed 16199547; PubMed 18836446; PubMed 20333770.

NM_001142800.2(EYS):c.2137+2T>C

Gene: EYS (eyes shut homolog; minus strand). Cytogenetic location: 6q12.
Variant type: single nucleotide variant.
Coding change: c.2137+2T>C on transcript NM_001142800.2 (MANE Select); the canonical splice donor site of the intron after coding-DNA position 2137, T replaced by C.
Molecular consequence: splice donor variant.
Genome position (GRCh38, 1-based): chr6:65,057,612, A>G on the plus strand (T>C on the coding strand, the complement: EYS is on the minus strand). VCF-style: chr6-65057612-A-G. GRCh37 (hg19) VCF-style: chr6-65767505-A-G.
Other names: c.2137+2T>C (NM_001292009.2).
Identifiers: ClinVar variation 1518168 (VCV001518168.5), dbSNP rs1483428079, ClinGen allele CA364787318.